The following is an entry in ClinVar:

ClinVar aggregate classification (germline): Uncertain significance. Review status: criteria provided, multiple submitters, no conflicts (2 of 4 stars). 2 submissions from 2 submitters: Uncertain significance (2). Last evaluated 2022-09-13.

Conditions:
Inborn genetic diseases. Identifiers: MedGen C0950123, MeSH D030342.

Allele frequency attached by ClinVar (database versions not stated): gnomAD exomes below 0.00001.
gnomAD v4.1: 2 of 1,557,878 alleles (0.00013%); highest among the groups gnomAD compares: Non-Finnish European, 0.00017%; no homozygotes.

Submissions (2):

GeneDx
Classification: Uncertain significance. Last evaluated: 2022-09-13. Review status: criteria provided, single submitter. Criteria: GeneDx Variant Classification Process June 2021. Collection method: clinical testing. Allele origin: germline. Affected: yes.
Comment: Not observed at significant frequency in large population cohorts (gnomAD); In silico analysis supports that this missense variant does not alter protein structure/function; Has not been previously published as pathogenic or benign to our knowledge

Ambry Genetics
Classification: Uncertain significance for Inborn genetic diseases. Last evaluated: 2019-05-01. Review status: criteria provided, single submitter. Criteria: Ambry Variant Classification Scheme 2023. Collection method: clinical testing. Allele origin: germline.
Comment: The p.R221G variant (also known as c.661A>G), located in coding exon 5 of the CHRNA4 gene, results from an A to G substitution at nucleotide position 661. The arginine at codon 221 is replaced by glycine, an amino acid with dissimilar properties. This amino acid position is poorly conserved in available vertebrate species. In addition, this alteration is predicted to be tolerated by in silico analysis. Since supporting evidence is limited at this time, the clinical significance of this alteration remains unclear.

NM_000744.7(CHRNA4):c.661A>G (p.Arg221Gly)

Gene: CHRNA4 (cholinergic receptor nicotinic alpha 4 subunit; minus strand). Cytogenetic location: 20q13.33.
Variant type: single nucleotide variant.
Coding change: c.661A>G on transcript NM_000744.7 (MANE Select); coding-DNA position 661, A replaced by G.
Protein change: p.Arg221Gly; replaces arginine 221 with glycine.
Molecular consequence: missense variant. On other transcripts: non-coding transcript variant (1).
Genome position (GRCh38, 1-based): chr20:63,350,750, T>C on the plus strand (A>G on the coding strand, the complement: CHRNA4 is on the minus strand). VCF-style: chr20-63350750-T-C. GRCh37 (hg19) VCF-style: chr20-61982102-T-C.
Other names: c.133A>G, p.Arg45Gly (NM_001256573.2); short protein forms R45G, R221G.
Identifiers: ClinVar variation 1754503 (VCV001754503.3), dbSNP rs2516542505, ClinGen allele CA409637271.